The following is an entry in ClinVar:

NM_001014.5(RPS10):c.493C>G (p.Gln165Glu)

Genes: RPS10-NUDT3 (RPS10-NUDT3 readthrough; minus strand), RPS10 (ribosomal protein S10; minus strand). Cytogenetic location: 6p21.31.
Variant type: single nucleotide variant.
Coding change: c.493C>G on transcript NM_001014.5 (MANE Select); coding-DNA position 493, C replaced by G.
Protein change: p.Gln165Glu; replaces glutamine 165 with glutamic acid.
Molecular consequence: missense variant. On other transcripts: intron variant (1).
Genome position (GRCh38, 1-based): chr6:34,417,511, G>C on the plus strand (C>G on the coding strand, the complement: RPS10 is on the minus strand). VCF-style: chr6-34417511-G-C. GRCh37 (hg19) VCF-style: chr6-34385288-G-C.
Other names: c.493C>G, p.Gln165Glu (NM_001203245.3, NM_001204091.2); c.456+858C>G (NM_001202470.3); c.493C>G (NM_001014.4); short protein forms Q165E.
Identifiers: ClinVar variation 2043241 (VCV002043241.6), dbSNP rs778794141, ClinGen allele CA3764981.

ClinVar aggregate classification (germline): Uncertain significance. Review status: criteria provided, multiple submitters, no conflicts (2 of 4 stars). 3 submissions from 3 submitters: Uncertain significance (3). Last evaluated 2024-04-25.

Conditions:
Diamond-Blackfan anemia. Also called: Blackfan Diamond syndrome; Aregenerative anemia chronic congenital; Red cell aplasia, pure hereditary; Congenital hypoplastic anemia; Aase syndrome. Identifiers: Orphanet 124, MedGen C1260899, MeSH D029503, MONDO:0015253, HP:0004810.
Diamond-Blackfan anemia 9 (DBA9). Also called: RPS10-Related Diamond-Blackfan Anemia. Identifiers: Orphanet 124, MedGen C2750081, MONDO:0013216, OMIM 613308.

Allele frequency attached by ClinVar (database versions not stated): ExAC 0.00003; gnomAD 0.00003; TOPMed 0.00003.
gnomAD v4.1: 21 of 1,612,268 alleles (0.0013%); highest among the groups gnomAD compares: Admixed American, 0.0033%; no homozygotes.

Submissions (3):

Fulgent Genetics
Classification: Uncertain significance for Diamond-Blackfan anemia 9. Last evaluated: 2024-04-25. Review status: criteria provided, single submitter. Criteria: ACMG Guidelines, 2015. Collection method: clinical testing. Allele origin: germline.

GeneDx
Classification: Uncertain significance. Last evaluated: 2023-11-03. Review status: criteria provided, single submitter. Criteria: GeneDx Variant Classification Process June 2021. Collection method: clinical testing. Allele origin: germline. Affected: yes.
Comment: In silico analysis supports that this missense variant does not alter protein structure/function; Has not been previously published as pathogenic or benign to our knowledge

Labcorp Genetics (formerly Invitae), Labcorp
Classification: Uncertain significance for Diamond-Blackfan anemia. Last evaluated: 2021-12-11. Review status: criteria provided, single submitter. Criteria: Invitae Variant Classification Sherloc (09022015). Collection method: clinical testing. Allele origin: germline.
Comment: Algorithms developed to predict the effect of missense changes on protein structure and function are either unavailable or do not agree on the potential impact of this missense change (SIFT: "Tolerated"; PolyPhen-2: "Not Available"; Align-GVGD: "Class C0"). This variant has not been reported in the literature in individuals affected with RPS10-related conditions. This variant is present in population databases (rs778794141, gnomAD 0.005%). This sequence change replaces glutamine, which is neutral and polar, with glutamic acid, which is acidic and polar, at codon 165 of the RPS10 protein (p.Gln165Glu). In summary, the available evidence is currently insufficient to determine the role of this variant in disease. Therefore, it has been classified as a Variant of Uncertain Significance.